The following is an entry in ClinVar:

NM_000263.4(NAGLU):c.845C>T (p.Ala282Val)

Gene: NAGLU (N-acetyl-alpha-glucosaminidase; plus strand). Cytogenetic location: 17q21.2.
Variant type: single nucleotide variant.
Coding change: c.845C>T on transcript NM_000263.4 (MANE Select); coding-DNA position 845, C replaced by T.
Protein change: p.Ala282Val; replaces alanine 282 with valine.
Molecular consequence: missense variant.
Genome position (GRCh38, 1-based): chr17:42,541,030, C>T. VCF-style: chr17-42541030-C-T. GRCh37 (hg19) VCF-style: chr17-40693048-C-T.
Other names: short protein forms A282V.
Identifiers: ClinVar variation 549924 (VCV000549924.8), dbSNP rs144771528, ClinGen allele CA8576886.

ClinVar aggregate classification (germline): Uncertain significance. Review status: criteria provided, multiple submitters, no conflicts (2 of 4 stars). 5 submissions from 5 submitters: Uncertain significance (3). 2 of the submissions do not count toward it. Last evaluated 2026-03-11.

Conditions:
NAGLU-related disorder. Also called: NAGLU-related condition.
Mucopolysaccharidosis, MPS-III-B (MPS3B). Also called: SANFILIPPO SYNDROME B; MPS III B; MUCOPOLYSACCHARIDOSIS, TYPE IIIB; Mucopolysaccharidosis type IIIB (Sanfilippo B); MPS IIIB (Sanfilippo Syndrome Type B); N-ACETYL-ALPHA-D-GLUCOSAMINIDASE DEFICIENCY. Identifiers: Orphanet 79270, MedGen C0086648, MONDO:0009656, OMIM 252920.
Charcot-Marie-Tooth disease axonal type 2V. Also called: CHARCOT-MARIE-TOOTH NEUROPATHY, TYPE 2V; CHARCOT-MARIE-TOOTH DISEASE, AXONAL, AUTOSOMAL DOMINANT, TYPE 2V. Identifiers: Orphanet 447964, MedGen C5569050, MONDO:0014665, OMIM 616491.
Intellectual disability. Also called: intellectual disabilities; Intellectual functioning disability; Intellectual developmental disorder. Identifiers: MedGen C3714756, MeSH D008607, MONDO:0001071, HP:0001249.

Allele frequency attached by ClinVar (database versions not stated): TOPMed 0.00003; gnomAD 0.00004; ExAC 0.00006; gnomAD exomes 0.00005; ESP Exome Variant Server 0.00015.

Submissions (5):

Women's Health and Genetics/Laboratory Corporation of America, LabCorp
Classification: Uncertain significance. Last evaluated: 2026-03-11. Review status: criteria provided, single submitter. Criteria: LabCorp Variant Classification Summary - May 2015. Collection method: clinical testing. Allele origin: germline.
Comment: Variant summary: NAGLU c.845C>T (p.Ala282Val) results in a non-conservative amino acid change in the encoded protein sequence. Algorithms developed to predict the effect of missense changes on protein structure and function all suggest that this variant is likely to be disruptive. The variant allele was found at a frequency of 5.2e-05 in 251492 control chromosomes (gnomAD). This frequency is not significantly higher than estimated for disease-causing variants in NAGLU, allowing no conclusion about variant significance. c.845C>T has been observed in an individual affected with Mucopolysaccharidosis Type IIIB (Sanfilippo Syndrome B)(Valstar_2010). These data do not allow any conclusion about variant significance. At least one publication reports experimental evidence evaluating an impact on protein function. The most pronounced variant effect results in 30%-50% of normal activity (Clark_2018). The following publications have been ascertained in the context of this evaluation (PMID: 20852935, 29979746). ClinVar contains an entry for this variant (Variation ID: 549924). Based on the evidence outlined above, the variant was classified as VUS-possibly pathogenic.

PreventionGenetics, part of Exact Sciences
Classification: Uncertain significance for NAGLU-related condition. Last evaluated: 2025-11-12. Review status: criteria provided, single submitter. Criteria: ACMG Guidelines, 2015. Collection method: clinical testing. Allele origin: germline.
Comment: The NAGLU c.845C>T variant is predicted to result in the amino acid substitution p.Ala282Val. This variant was reported along with a second potentially causative NAGLU variant in at least one individual with mucopolysaccharidosis IIIB/Sanfilippo syndrome B (Valstar et al. 2010. PubMed ID: 20852935; Meijer et al. 2016. PubMed ID: 26907177). This variant is reported in 0.0093% of alleles in individuals of European (Non-Finnish) descent in gnomAD. At this time, the clinical significance of this variant is uncertain due to the absence of conclusive functional and genetic evidence.

Labcorp Genetics (formerly Invitae), Labcorp
Classification: Uncertain significance for Charcot-Marie-Tooth disease axonal type 2V; Mucopolysaccharidosis, MPS-III-B. Last evaluated: 2024-11-11. Review status: criteria provided, single submitter. Criteria: Invitae Variant Classification Sherloc (09022015). Collection method: clinical testing. Allele origin: germline.
Comment: This sequence change replaces alanine, which is neutral and non-polar, with valine, which is neutral and non-polar, at codon 282 of the NAGLU protein (p.Ala282Val). This variant is present in population databases (rs144771528, gnomAD 0.008%). This missense change has been observed in individual(s) with mucopolysaccharidosis type III (PMID: 26907177). ClinVar contains an entry for this variant (Variation ID: 549924). Invitae Evidence Modeling of protein sequence and biophysical properties (such as structural, functional, and spatial information, amino acid conservation, physicochemical variation, residue mobility, and thermodynamic stability) has been performed for this missense variant. However, the output from this modeling did not meet the statistical confidence thresholds required to predict the impact of this variant on NAGLU protein function. Experimental studies have shown that this missense change affects NAGLU function (PMID: 29979746). In summary, the available evidence is currently insufficient to determine the role of this variant in disease. Therefore, it has been classified as a Variant of Uncertain Significance.

Centre de Biologie Pathologie Génétique, Centre Hospitalier Universitaire de Lille
Classification: Likely benign for Intellectual disability. Last evaluated: 2019-01-01. Review status: no assertion criteria provided. Collection method: clinical testing. Allele origin: inherited. Affected: yes. Not counted in ClinVar's aggregate classification.

Counsyl
Classification: Uncertain significance for Mucopolysaccharidosis, MPS-III-B. Last evaluated: 2017-01-03. Review status: no assertion criteria provided. Collection method: clinical testing. Allele origin: unknown. Not counted in ClinVar's aggregate classification.

Literature cited by the submitters: PubMed 20852935 (cited by Women's Health and Genetics/Laboratory Corporation of America, LabCorp and Counsyl); PubMed 29979746 (cited by Women's Health and Genetics/Laboratory Corporation of America, LabCorp and Labcorp Genetics (formerly Invitae), Labcorp); PubMed 26907177 (cited by Labcorp Genetics (formerly Invitae), Labcorp).